The following is an entry in ClinVar:

ClinVar aggregate classification (germline): Uncertain significance. Review status: reviewed by expert panel (3 of 4 stars). 2 submissions from 2 submitters: Uncertain significance (1). 1 of the submissions does not count toward it. Last evaluated 2025-09-23.

Conditions:
Juvenile retinoschisis (RS1). Also called: X-linked retinoschisis; X-Linked Juvenile Retinoschisis. Identifiers: Orphanet 792, MedGen C3714753, MONDO:0010725, OMIM 312700.

Submissions (2):

ClinGen X-linked Inherited Retinal Disease Variant Curation Expert Panel, ClinGen
Classification: Uncertain significance for Juvenile retinoschisis. Last evaluated: 2025-09-23. Review status: reviewed by expert panel. Criteria: ClinGen X LinkedIRD ACMG Specifications RS1 V1.0.0. Collection method: curation. Allele origin: germline. Inheritance: X-linked inheritance.
Comment: NM_000330.4(RS1):c.37C>G (p.Leu13Val) is a missense variant encoding the substitution of leucine with valine at amino acid 13. This variant is absent from hemizygous individuals in gnomAD v4.1.0 (PM2_Supporting). The computational predictor REVEL gives a score of 0.475, which is below the ClinGen X-linked IRD VCEP PP3 threshold of >0.664 and above the BP4 threshold of <0.290 and does not predict a damaging effect on RS1 function. The splicing impact predictor SpliceAI gives a score of 0.01 for donor loss, which is below the ClinGen X-linked IRD VCEP recommended threshold of ≥0.2 and does not strongly predict an impact on splicing, so neither PP3 nor BP4 is met. In summary, this variant is classified as a variant of uncertain significance for X-linked retinoschisis based on the ClinGen X-linked Inherited Retinal Disease Expert Panel Specifications to the ACMG/AMP Variant Interpretation Guidelines for RS1 Version 1.0.0: PM2_Supporting.

Labcorp Genetics (formerly Invitae), Labcorp
Classification: Likely pathogenic. Last evaluated: 2024-01-22. Review status: criteria provided, single submitter. Criteria: Invitae Variant Classification Sherloc (09022015). Collection method: clinical testing. Allele origin: germline. Not counted in ClinVar's aggregate classification.
Comment: This sequence change replaces leucine, which is neutral and non-polar, with valine, which is neutral and non-polar, at codon 13 of the RS1 protein (p.Leu13Val). This variant is not present in population databases (gnomAD no frequency). This variant has not been reported in the literature in individuals affected with RS1-related conditions. Advanced modeling of protein sequence and biophysical properties (such as structural, functional, and spatial information, amino acid conservation, physicochemical variation, residue mobility, and thermodynamic stability) performed at Invitae indicates that this missense variant is expected to disrupt RS1 protein function with a positive predictive value of 95%. This variant disrupts the p.Leu13 amino acid residue in RS1. Other variant(s) that disrupt this residue have been determined to be pathogenic (PMID: 10533068, 20809529, 30652005; Invitae). This suggests that this residue is clinically significant, and that variants that disrupt this residue are likely to be disease-causing. In summary, the currently available evidence indicates that the variant is pathogenic, but additional data are needed to prove that conclusively. Therefore, this variant has been classified as Likely Pathogenic.

Literature cited by the submitters: PubMed 10533068 (cited by Labcorp Genetics (formerly Invitae), Labcorp); PubMed 20809529 (cited by Labcorp Genetics (formerly Invitae), Labcorp); PubMed 30652005 (cited by Labcorp Genetics (formerly Invitae), Labcorp).

NM_000330.4(RS1):c.37C>G (p.Leu13Val)

Gene: RS1 (retinoschisin 1; minus strand). Cytogenetic location: Xp22.13.
Variant type: single nucleotide variant.
Coding change: c.37C>G on transcript NM_000330.4 (MANE Select); coding-DNA position 37, C replaced by G.
Protein change: p.Leu13Val; replaces leucine 13 with valine.
Molecular consequence: missense variant.
Genome position (GRCh38, 1-based): chrX:18,672,032, G>C on the plus strand (C>G on the coding strand, the complement: RS1 is on the minus strand). VCF-style: chrX-18672032-G-C. GRCh37 (hg19) VCF-style: chrX-18690152-G-C.
Other names: p.Leu13Val; NM_000330.4(RS1):c.37C>G; short protein forms L13V.
Identifiers: ClinVar variation 2785684 (VCV002785684.4), dbSNP rs767155536, ClinGen allele CA412379051.